The following is an entry in ClinVar:

NM_016222.4(DDX41):c.474G>C (p.Glu158Asp)

Gene: DDX41 (DEAD-box helicase 41; minus strand). Cytogenetic location: 5q35.3.
Variant type: single nucleotide variant.
Coding change: c.474G>C on transcript NM_016222.4 (MANE Select); coding-DNA position 474, G replaced by C.
Protein change: p.Glu158Asp; replaces glutamic acid 158 with aspartic acid.
Molecular consequence: missense variant.
Genome position (GRCh38, 1-based): chr5:177,515,782, C>G on the plus strand (G>C on the coding strand, the complement: DDX41 is on the minus strand). VCF-style: chr5-177515782-C-G. GRCh37 (hg19) VCF-style: chr5-176942783-C-G.
Other names: c.96G>C, p.Glu32Asp (NM_001321732.2, NM_001321830.2); short protein forms E32D, E158D.
Identifiers: ClinVar variation 4238823 (VCV004238823.1).
Genomic context (GRCh38, chr5:177,515,782, plus strand): 5'-TGGTGGGATACCGTCTCCCTCCACCAGGATGTGGTATTTCTTCCGCACGCGCTCATGTCG[C>G]TCTTCAGACATGCTCAGAACATAACGGGGTGGAGTCCAGCTGTGGATGGGTAACAGGGAT-3'
Protein context (NP_057306.2, residues 148-168): PPRYVLSMSE[Glu158Asp]RHERVRKKYH

ClinVar aggregate classification (germline): Uncertain significance (1 of 4 stars; one submission).

Conditions:
Inborn genetic diseases. Identifiers: MedGen C0950123, MeSH D030342.

gnomAD v4.1: 8 of 1,614,180 alleles (0.0005%); highest among the groups gnomAD compares: South Asian, 0.0088%; no homozygotes.

Submission:

Ambry Genetics
Classification: Uncertain significance for Inborn genetic diseases. Last evaluated: 2025-08-31. Review status: criteria provided, single submitter. Criteria: Ambry Variant Classification Scheme 2023. Collection method: clinical testing. Allele origin: germline.
Comment: The p.E158D variant (also known as c.474G>C), located in coding exon 6 of the DDX41 gene, results from a G to C substitution at nucleotide position 474. The glutamic acid at codon 158 is replaced by aspartic acid, an amino acid with highly similar properties. This amino acid position is conserved. In addition, this alteration is predicted to be tolerated by in silico analysis. Based on the available evidence, the clinical significance of this variant remains unclear.